The following is an entry in ClinVar:

NM_001286.5(CLCN6):c.2582G>A (p.Arg861Gln)

Gene: CLCN6 (chloride voltage-gated channel 6; plus strand). Cytogenetic location: 1p36.22.
Variant type: single nucleotide variant.
Coding change: c.2582G>A on transcript NM_001286.5 (MANE Select); coding-DNA position 2582, G replaced by A.
Protein change: p.Arg861Gln; replaces arginine 861 with glutamine.
Molecular consequence: missense variant. On other transcripts: non-coding transcript variant (1).
Genome position (GRCh38, 1-based): chr1:11,840,195, G>A. VCF-style: chr1-11840195-G-A. GRCh37 (hg19) VCF-style: chr1-11900252-G-A.
Other names: c.2516G>A, p.Arg839Gln (NM_001256959.2); c.2582G>A (NM_001286.2); short protein forms R861Q, R839Q.
Identifiers: ClinVar variation 2883270 (VCV002883270.4), dbSNP rs765147699, ClinGen allele CA596957.

ClinVar aggregate classification (germline): Uncertain significance. Review status: criteria provided, multiple submitters, no conflicts (2 of 4 stars). 2 submissions from 2 submitters: Uncertain significance (2). Last evaluated 2025-04-09.

Allele frequency attached by ClinVar (database versions not stated): TOPMed below 0.00001; gnomAD exomes 0.00001; ExAC 0.00003.
gnomAD v4.1: 20 of 1,613,440 alleles (0.0012%); highest among the groups gnomAD compares: Middle Eastern, 0.016%; no homozygotes.

Submissions (2):

Ambry Genetics
Classification: Uncertain significance. Last evaluated: 2025-04-09. Review status: criteria provided, single submitter. Criteria: Ambry Variant Classification Scheme 2023. Collection method: clinical testing. Allele origin: germline.

Labcorp Genetics (formerly Invitae), Labcorp
Classification: Uncertain significance. Last evaluated: 2023-07-27. Review status: criteria provided, single submitter. Criteria: Invitae Variant Classification Sherloc (09022015). Collection method: clinical testing. Allele origin: germline.
Comment: In summary, the available evidence is currently insufficient to determine the role of this variant in disease. Therefore, it has been classified as a Variant of Uncertain Significance. An algorithm developed to predict the effect of missense changes on protein structure and function (PolyPhen-2) suggests that this variant is likely to be tolerated. This variant has not been reported in the literature in individuals affected with CLCN6-related conditions. This variant is present in population databases (rs765147699, gnomAD 0.01%). This sequence change replaces arginine, which is basic and polar, with glutamine, which is neutral and polar, at codon 861 of the CLCN6 protein (p.Arg861Gln).